The following is an entry in ClinVar:

ClinVar aggregate classification (germline): Conflicting classifications of pathogenicity. Review status: criteria provided, conflicting classifications (1 of 4 stars). 2 submissions from 2 submitters: Likely pathogenic (1); Uncertain significance (1). Last evaluated 2025-01-08.

Conditions:
Fetal akinesia deformation sequence 4. Identifiers: MedGen C4760578, MONDO:0100104, OMIM 618393.

Submissions (2):

First Genomix Gene Laboratory, Genetic Diagnostics Department
Classification: Likely pathogenic for Fetal akinesia deformation sequence 4. Last evaluated: 2025-01-08. Review status: criteria provided, single submitter. Criteria: ACMG Guidelines, 2015. Collection method: clinical testing. Allele origin: germline. Inheritance: Autosomal recessive inheritance. Affected: no. Observed: 1 variant allele.

Blueprint Genetics
Classification: Uncertain significance. Last evaluated: 2024-01-12. Review status: criteria provided, single submitter. Criteria: ACMG Guidelines, 2015. Collection method: clinical testing. Allele origin: germline.

NM_002532.6(NUP88):c.322_323del (p.Leu108fs)

Gene: NUP88 (nucleoporin 88; minus strand). Cytogenetic location: 17p13.2.
Variant type: Deletion.
Coding change: c.322_323del on transcript NM_002532.6 (MANE Select); coding-DNA positions 322 to 323, 2 bases deleted (CT; older notation c.322_323delCT).
Protein change: p.Leu108fs; shifts the reading frame from leucine 108.
Molecular consequence: frameshift variant.
Genome position (GRCh38, 1-based): chr17:5,416,657-5,416,658, AG deleted on the plus strand (CT on the coding strand, the reverse complement: NUP88 is on the minus strand). VCF-style (leftmost placement, unchanged base first): chr17-5416656-CAG-C. GRCh37 (hg19) VCF-style: chr17-5319976-CAG-C.
Other names: c.322_323del, p.Leu108fs (NM_001320653.2); short protein forms L108fs.
Identifiers: ClinVar variation 4845740 (VCV004845740.2).